The following is an entry in ClinVar:

NM_003924.4(PHOX2B):c.*161G>A

Gene: PHOX2B (paired like homeobox 2B; minus strand). Cytogenetic location: 4p13.
Variant type: single nucleotide variant.
Coding change: c.*161G>A on transcript NM_003924.4 (MANE Select); 161 bases downstream of the stop codon, G replaced by A.
Molecular consequence: 3 prime UTR variant.
Genome position (GRCh38, 1-based): chr4:41,745,646, C>T on the plus strand (G>A on the coding strand, the complement: PHOX2B is on the minus strand). VCF-style: chr4-41745646-C-T. GRCh37 (hg19) VCF-style: chr4-41747663-C-T.
Identifiers: ClinVar variation 348801 (VCV000348801.30), dbSNP rs114290493, ClinGen allele CA10621047.

ClinVar aggregate classification (germline): Benign. Review status: criteria provided, multiple submitters, no conflicts (2 of 4 stars). 4 submissions from 3 submitters: Benign (4). Last evaluated 2023-06-01.

Conditions:
Neuroblastoma, susceptibility to, 2. Identifiers: Orphanet 635, MedGen C2751682, MONDO:0700041, OMIM 613013.
Congenital central hypoventilation. Also called: Congenital Central Hypoventilation Syndrome. Identifiers: Orphanet 661, Orphanet 99803, MedGen C1275808, MONDO:0800031. Disease mechanism: gain of function.

Allele frequency attached by ClinVar (database versions not stated): 1000 Genomes Project 30x 0.00843; 1000 Genomes Project 0.00859; gnomAD 0.01005 and 0.01029; gnomAD exomes 0.01043; TOPMed 0.01116.
gnomAD v4.1: 8,843 of 854,576 alleles (1%); highest among the groups gnomAD compares: Non-Finnish European, 1.2%; 62 homozygotes.

Submissions (4):

CeGaT Center for Human Genetics Tuebingen
Classification: Benign. Last evaluated: 2023-06-01. Review status: criteria provided, single submitter. Criteria: CeGaT Center For Human Genetics Tuebingen Variant Classification Criteria Version 2. Collection method: clinical testing. Allele origin: germline. Affected: yes. Observed: 15 variant alleles.
Comment: PHOX2B: BS1, BS2

Illumina Laboratory Services, Illumina
Classification: Benign for Neuroblastoma, susceptibility to, 2. Last evaluated: 2018-01-13. Review status: criteria provided, single submitter. Criteria: ICSL Variant Classification Criteria 13 December 2019. Collection method: clinical testing. Allele origin: germline.
Comment: This variant was observed in the ICSL laboratory as part of a predisposition screen in an ostensibly healthy population. It had not been previously curated by ICSL or reported in the Human Gene Mutation Database (HGMD: prior to June 1st, 2018), and was therefore a candidate for classification through an automated scoring system. Utilizing variant allele frequency, disease prevalence and penetrance estimates, and inheritance mode, an automated score was calculated to assess if this variant is too frequent to cause the disease. Based on the score and internal cut-off values, a variant classified as benign is not then subjected to further curation. The score for this variant resulted in a classification of benign for this disease.

Illumina Laboratory Services, Illumina
Classification: Benign for Central hypoventilation syndrome, congenital, 1, with or without Hirschsprung disease. Last evaluated: 2018-01-13. Review status: criteria provided, single submitter. Criteria: ICSL Variant Classification Criteria 13 December 2019. Collection method: clinical testing. Allele origin: germline.
Comment: the same text as in the submission from Illumina Laboratory Services, Illumina above.

Breakthrough Genomics
Classification: Benign. Review status: criteria provided, single submitter. Criteria: ACMG Guidelines, 2015. Collection method: not provided. Allele origin: germline. Inheritance: Autosomal dominant inheritance. Affected: yes.